The following is an entry in ClinVar:

NM_004813.4(PEX16):c.65C>A (p.Thr22Lys)

Gene: PEX16 (peroxisomal biogenesis factor 16; minus strand). Cytogenetic location: 11p11.2.
Variant type: single nucleotide variant.
Coding change: c.65C>A on transcript NM_004813.4 (MANE Select); coding-DNA position 65, C replaced by A.
Protein change: p.Thr22Lys; replaces threonine 22 with lysine.
Molecular consequence: missense variant.
Genome position (GRCh38, 1-based): chr11:45,917,747, G>T on the plus strand (C>A on the coding strand, the complement: PEX16 is on the minus strand). VCF-style: chr11-45917747-G-T. GRCh37 (hg19) VCF-style: chr11-45939298-G-T.
Other names: c.65C>A, p.Thr22Lys (NM_057174.3); short protein forms T22K.
Identifiers: ClinVar variation 4072843 (VCV004072843.1), dbSNP rs1347076898.
Genomic context (GRCh38, chr11:45,917,747, plus strand): 5'-GTCAGGGTGGCACCTGCCAGCAGGTAACTGAAGCCCCGCACTGCTGTCTCCAGCTGGGCC[G>T]TGGCGGCCGGGTGACGAGTCACGTACTCCTGGTAGCGGAGGCCCAGGAGCCGCAGCTTCT-3'
Protein context (NP_004804.2, residues 12-32): QEYVTRHPAA[Thr22Lys]AQLETAVRGF

ClinVar aggregate classification (germline): Uncertain significance (1 of 4 stars; one submission).

Conditions:
Peroxisome biogenesis disorder. Identifiers: Orphanet 79189, MedGen C1832200, MONDO:0019234. Disease mechanism: loss of function.

gnomAD v4.1: 1 of 1,558,150 alleles (0.000064%); no homozygotes.

Submission:

Clinical Omics and Informatics (COIN) Unit, Neuroscience Institute, University Of Cape Town
Classification: Uncertain significance for Peroxisome biogenesis disorder. Last evaluated: 2025-05-14. Review status: criteria provided, single submitter. Criteria: ACMG Guidelines, 2015. Collection method: research. Allele origin: germline. Inheritance: Autosomal recessive inheritance. Affected: yes. Observed: 1 variant allele, 1 homozygote.
Comment: The highest population allele frequency in gnomAD v4.0 is 0.00001656 (0.00166%; 1/60402 alleles in the remaining population). No homozygous observations. The variant is absent from the AGVD database. PM3_Supporting: 0.5 points awarded for homozygous observation of variant in proband under assessment. PP2 Not Met: Missense Z score is 1.22. PP3 Not Met: Revel score is 0.377.